The following is an entry in ClinVar:

ClinVar aggregate classification (germline): Uncertain significance. Review status: criteria provided, multiple submitters, no conflicts (2 of 4 stars). 2 submissions from 2 submitters: Uncertain significance (2). Last evaluated 2025-07-31.

Allele frequency attached by ClinVar (database versions not stated): gnomAD exomes 0.00002 and 0.00004; ExAC 0.00006; gnomAD 0.00006 and 0.00007; TOPMed 0.00006; 1000 Genomes Project 30x 0.00016; 1000 Genomes Project 0.00020.
gnomAD v4.1: 46 of 1,605,498 alleles (0.0029%); highest among the groups gnomAD compares: Admixed American, 0.025%; no homozygotes.

Submissions (2):

Ambry Genetics
Classification: Uncertain significance. Last evaluated: 2025-07-31. Review status: criteria provided, single submitter. Criteria: Ambry Variant Classification Scheme 2023. Collection method: clinical testing. Allele origin: germline.

Labcorp Genetics (formerly Invitae), Labcorp
Classification: Uncertain significance. Last evaluated: 2025-03-31. Review status: criteria provided, single submitter. Criteria: Invitae Variant Classification Sherloc (09022015). Collection method: clinical testing. Allele origin: germline.
Comment: This sequence change replaces proline, which is neutral and non-polar, with leucine, which is neutral and non-polar, at codon 449 of the PLEKHM2 protein (p.Pro449Leu). This variant is present in population databases (rs542799086, gnomAD 0.01%). This variant has not been reported in the literature in individuals affected with PLEKHM2-related conditions. ClinVar contains an entry for this variant (Variation ID: 1056175). An algorithm developed to predict the effect of missense changes on protein structure and function (PolyPhen-2) suggests that this variant is likely to be tolerated. In summary, the available evidence is currently insufficient to determine the role of this variant in disease. Therefore, it has been classified as a Variant of Uncertain Significance.

NM_015164.4(PLEKHM2):c.1346C>T (p.Pro449Leu)

Gene: PLEKHM2 (pleckstrin homology and RUN domain containing M2; plus strand). Cytogenetic location: 1p36.21.
Variant type: single nucleotide variant.
Coding change: c.1346C>T on transcript NM_015164.4 (MANE Select); coding-DNA position 1346, C replaced by T.
Protein change: p.Pro449Leu; replaces proline 449 with leucine.
Molecular consequence: missense variant.
Genome position (GRCh38, 1-based): chr1:15,727,418, C>T. VCF-style: chr1-15727418-C-T. GRCh37 (hg19) VCF-style: chr1-16053913-C-T.
Other names: c.1346C>T (NM_015164.2); short protein forms P449L.
Identifiers: ClinVar variation 1056175 (VCV001056175.10), dbSNP rs542799086, ClinGen allele CA616924.